The following is an entry in ClinVar:

ClinVar aggregate classification (germline): Uncertain significance. Review status: criteria provided, multiple submitters, no conflicts (2 of 4 stars). 2 submissions from 2 submitters: Uncertain significance (2). Last evaluated 2025-06-17.

Conditions:
Hereditary breast ovarian cancer syndrome. Also called: Hereditary breast and ovarian cancer; Hereditary breast and ovarian cancer syndrome (HBOC); Breast and ovarian cancer; Hereditary breast and/or ovarian cancer syndrome; BRCA1- and BRCA2-Associated Hereditary Breast and Ovarian Cancer; Hereditary breast and ovarian cancer syndrome. Identifiers: Orphanet 145, MedGen C0677776, MeSH D061325, MONDO:0003582. Disease mechanism: loss of function.
Hereditary cancer-predisposing syndrome. Also called: Neoplastic Syndromes, Hereditary; Tumor predisposition; Hereditary Cancer Syndrome; Hereditary neoplastic syndrome. Identifiers: Orphanet 140162, MedGen C0027672, MeSH D009386, MONDO:0015356.

Submissions (3):

Ambry Genetics
Classification: Uncertain significance for Hereditary cancer-predisposing syndrome. Last evaluated: 2025-06-17. Review status: criteria provided, single submitter. Criteria: Ambry Variant Classification Scheme 2023. Collection method: clinical testing. Allele origin: germline.
Comment: The p.W1712R variant (also known as c.5134T>C), located in coding exon 16 of the BRCA1 gene, results from a T to C substitution at nucleotide position 5134. The tryptophan at codon 1712 is replaced by arginine, an amino acid with dissimilar properties. One functional study found that this nucleotide substitution is functional in a high throughput genome editing haploid cell survival assay (Findlay GM et al. Nature, 2018 Oct;562:217-222). This amino acid position is highly conserved in available vertebrate species. In addition, this alteration is predicted to be deleterious by in silico analysis. Based on the available evidence, the clinical significance of this variant remains unclear.

Labcorp Genetics (formerly Invitae), Labcorp
Classification: Uncertain significance for Hereditary breast ovarian cancer syndrome. Last evaluated: 2022-09-24. Review status: criteria provided, single submitter. Criteria: Invitae Variant Classification Sherloc (09022015). Collection method: clinical testing. Allele origin: germline.
Comment: This variant is not present in population databases (gnomAD no frequency). In summary, the available evidence is currently insufficient to determine the role of this variant in disease. Therefore, it has been classified as a Variant of Uncertain Significance. Experimental studies have shown that this missense change does not substantially affect BRCA1 function (PMID: 30209399). Advanced modeling of experimental studies (such as gene expression, population dynamics, functional pathways, and cell-cycle effects in cell culture) performed at Invitae indicates that this missense variant is not expected to disrupt BRCA1 protein function. ClinVar contains an entry for this variant (Variation ID: 867685). This variant has not been reported in the literature in individuals affected with BRCA1-related conditions. This sequence change replaces tryptophan, which is neutral and slightly polar, with arginine, which is basic and polar, at codon 1712 of the BRCA1 protein (p.Trp1712Arg).

Brotman Baty Institute, University of Washington
No classification provided (evidence only). Condition: Breast-ovarian cancer, familial 1. Review status: no classification provided. Collection method: in vitro. Allele origin: not applicable. Functional consequence: functionally_normal. Not counted in ClinVar's aggregate classification.
ClinVar note: "not provided" was previously submitted as the classification for the variant. However, the classification appeared to be based only on an observation of functional data so it was converted to no classification on 2025-07-30.

Literature cited by the submitters: PubMed 30209399 (cited by Ambry Genetics and Labcorp Genetics (formerly Invitae), Labcorp).

NM_007294.4(BRCA1):c.5134T>C (p.Trp1712Arg)

Gene: BRCA1 (BRCA1 DNA repair associated; minus strand). Cytogenetic location: 17q21.31.
Variant type: single nucleotide variant.
Coding change: c.5134T>C on transcript NM_007294.4 (MANE Select); coding-DNA position 5134, T replaced by C.
Protein change: p.Trp1712Arg; replaces tryptophan 1712 with arginine.
Molecular consequence: missense variant. On other transcripts: non-coding transcript variant (1).
Genome position (GRCh38, 1-based): chr17:43,063,892, A>G on the plus strand (T>C on the coding strand, the complement: BRCA1 is on the minus strand). VCF-style: chr17-43063892-A-G. GRCh37 (hg19) VCF-style: chr17-41215909-A-G.
Other names: c.5005T>C, p.Trp1669Arg (NM_001407681.1, NM_001407682.1, NM_001407683.1 and 6 more transcripts); c.4993T>C, p.Trp1665Arg (NM_001407692.1, NM_001407694.1, NM_001407695.1 and 13 more transcripts); c.4990T>C, p.Trp1664Arg (NM_001407737.1, NM_001407738.1, NM_001407739.1 and 21 more transcripts); c.4987T>C, p.Trp1663Arg (NM_001407842.1, NM_001407843.1, NM_001407844.1 and 12 more transcripts); c.4927T>C, p.Trp1643Arg (NM_001407875.1, NM_001407874.1); c.4924T>C, p.Trp1642Arg (NM_001407879.1, NM_001407881.1, NM_001407882.1 and 5 more transcripts); c.4921T>C, p.Trp1641Arg (NM_001407907.1, NM_001407908.1, NM_001407909.1 and 12 more transcripts); c.4918T>C, p.Trp1640Arg (NM_001407915.1, NM_001407916.1, NM_001407917.1 and 1 more transcripts); and 71 more; short protein forms W1733R, W608R, W1712R, W1665R, W1543R, W1584R, W1585R, W1623R.
Identifiers: ClinVar variation 867685 (VCV000867685.9), dbSNP rs2051913334, ClinGen allele CA10591274.